The following is an entry in ClinVar:

NM_002890.3(RASA1):c.2488-1G>A

Genes: CCNH (cyclin H; minus strand), RASA1 (RAS p21 protein activator 1; plus strand). Cytogenetic location: 5q14.3.
Variant type: single nucleotide variant.
Coding change: c.2488-1G>A on transcript NM_002890.3 (MANE Select); the canonical splice acceptor site of the intron before coding-DNA position 2488, G replaced by A.
Molecular consequence: splice acceptor variant. On other transcripts: intron variant (1).
Genome position (GRCh38, 1-based): chr5:87,379,734, G>A. VCF-style: chr5-87379734-G-A. GRCh37 (hg19) VCF-style: chr5-86675551-G-A.
Other names: c.1957-1G>A (NM_022650.3); c.933+15310C>T (NM_001364075.2).
Identifiers: ClinVar variation 2750046 (VCV002750046.3), dbSNP rs2531359738, ClinGen allele CA360383540.

ClinVar aggregate classification (germline): Likely pathogenic (1 of 4 stars; one submission).

Conditions:
Capillary malformation-arteriovenous malformation syndrome. Also called: Capillary malformation-arteriovenous malformation. Identifiers: Orphanet 137667, MedGen C1842180, MONDO:0012016.

Submission:

Labcorp Genetics (formerly Invitae), Labcorp
Classification: Likely pathogenic for Capillary malformation-arteriovenous malformation syndrome. Last evaluated: 2024-01-04. Review status: criteria provided, single submitter. Criteria: Invitae Variant Classification Sherloc (09022015). Collection method: clinical testing. Allele origin: germline.
Comment: This sequence change affects an acceptor splice site in intron 18 of the RASA1 gene. It is expected to disrupt RNA splicing. Variants that disrupt the donor or acceptor splice site typically lead to a loss of protein function (PMID: 16199547), and loss-of-function variants in RASA1 are known to be pathogenic (PMID: 24038909). This variant is not present in population databases (gnomAD no frequency). Disruption of this splice site has been observed in individual(s) with capillary malformation-arteriovenous malformation (PMID: 18446851). Algorithms developed to predict the effect of sequence changes on RNA splicing suggest that this variant may disrupt the consensus splice site. In summary, the currently available evidence indicates that the variant is pathogenic, but additional data are needed to prove that conclusively. Therefore, this variant has been classified as Likely Pathogenic.

Literature cited by the submitters: PubMed 16199547; PubMed 24038909; PubMed 18446851.